The following is an entry in ClinVar:

NM_015346.4(ZFYVE26):c.4651A>T (p.Met1551Leu)

Gene: ZFYVE26 (zinc finger FYVE-type containing 26; minus strand). Cytogenetic location: 14q24.1.
Variant type: single nucleotide variant.
Coding change: c.4651A>T on transcript NM_015346.4 (MANE Select); coding-DNA position 4651, A replaced by T.
Protein change: p.Met1551Leu; replaces methionine 1551 with leucine.
Molecular consequence: missense variant.
Genome position (GRCh38, 1-based): chr14:67,780,264, T>A on the plus strand (A>T on the coding strand, the complement: ZFYVE26 is on the minus strand). VCF-style: chr14-67780264-T-A. GRCh37 (hg19) VCF-style: chr14-68246981-T-A.
Other names: short protein forms M1551L.
Identifiers: ClinVar variation 2141304 (VCV002141304.2), dbSNP rs1376839527, ClinGen allele CA390169334.
Genomic context (GRCh38, chr14:67,780,264, plus strand): 5'-GGAGGATGAAGGGGAACACCACCCAGGAAAACGGTACCTGTGCTTCTAGAATCATGTTCA[T>A]GACAGTTGATGGGTCCTCAACACAACAGCTCCTCAAGGTCTGCCAGTCACACCACACTGG-3'
Protein context (NP_056161.2, residues 1541-1561): SCCVEDPSTV[Met1551Leu]NMILEAQEYE

ClinVar aggregate classification (germline): Uncertain significance (1 of 4 stars; one submission).

Conditions:
Spastic paraplegia. Identifiers: MedGen C0037772, HP:0001258.

Allele frequency attached by ClinVar (database versions not stated): gnomAD 0.00001.

Submission:

Labcorp Genetics (formerly Invitae), Labcorp
Classification: Uncertain significance for Spastic paraplegia. Last evaluated: 2022-07-22. Review status: criteria provided, single submitter. Criteria: Invitae Variant Classification Sherloc (09022015). Collection method: clinical testing. Allele origin: germline.
Comment: This variant is not present in population databases (gnomAD no frequency). In summary, the available evidence is currently insufficient to determine the role of this variant in disease. Therefore, it has been classified as a Variant of Uncertain Significance. Algorithms developed to predict the effect of missense changes on protein structure and function (SIFT, PolyPhen-2, Align-GVGD) all suggest that this variant is likely to be tolerated. This variant has not been reported in the literature in individuals affected with ZFYVE26-related conditions. This sequence change replaces methionine, which is neutral and non-polar, with leucine, which is neutral and non-polar, at codon 1551 of the ZFYVE26 protein (p.Met1551Leu).